The following is an entry in ClinVar:

ClinVar aggregate classification (germline): Benign. Review status: criteria provided, multiple submitters, no conflicts (2 of 4 stars). 3 submissions from 3 submitters: Benign (3). Last evaluated 2024-07-15.

Allele frequency attached by ClinVar (database versions not stated): gnomAD exomes 0.35204 and 0.43765; ESP Exome Variant Server 0.42959; ExAC 0.44444; gnomAD 0.46001 and 0.46340; TOPMed 0.48645; 1000 Genomes Project 30x 0.61071; 1000 Genomes Project 0.61082.
gnomAD v4.1: 539,186 of 1,478,614 alleles (36%); highest among the groups gnomAD compares: East Asian, 88%; 112,513 homozygotes.

Submissions (3):

Unidad de Genómica Garrahan, Hospital de Pediatría Garrahan
Classification: Benign. Last evaluated: 2024-07-15. Review status: criteria provided, single submitter. Criteria: ACMG Guidelines, 2015. Collection method: clinical testing. Allele origin: germline. Affected: no. Observed: 73 variant alleles.
Comment: This variant is classified as Benign based on local population frequency. This variant was detected in 78% of patients studied in a panel designed for Epileptic and Developmental Encephalopathy and Progressive Myoclonus Epilepsy. Number of patients: 73. Only high quality variants are reported.

GeneDx
Classification: Benign. Last evaluated: 2018-06-22. Review status: criteria provided, single submitter. Criteria: GeneDx Variant Classification Process June 2021. Collection method: clinical testing. Allele origin: germline. Affected: yes.

Breakthrough Genomics
Classification: Benign. Review status: criteria provided, single submitter. Criteria: ACMG Guidelines, 2015. Collection method: not provided. Allele origin: germline. Inheritance: Autosomal recessive inheritance. Affected: yes.

NM_005548.3(KARS1):c.1338+47T>C

Gene: KARS1 (lysyl-tRNA synthetase 1; minus strand). Cytogenetic location: 16q23.1.
Variant type: single nucleotide variant.
Coding change: c.1338+47T>C on transcript NM_005548.3 (MANE Select); 47 bases into the intron after coding-DNA position 1338, T replaced by C.
Molecular consequence: intron variant.
Genome position (GRCh38, 1-based): chr16:75,631,121, A>G on the plus strand (T>C on the coding strand, the complement: KARS1 is on the minus strand). VCF-style: chr16-75631121-A-G. GRCh37 (hg19) VCF-style: chr16-75665019-A-G.
Other names: c.1422+47T>C (NM_001130089.2); c.870+47T>C (NM_001378148.1).
Identifiers: ClinVar variation 1293596 (VCV001293596.5), dbSNP rs7189895, ClinGen allele CA8177297.